The following is an entry in ClinVar:

ClinVar aggregate classification (germline): Uncertain significance (1 of 4 stars; one submission).

Submission:

GeneDx
Classification: Uncertain significance. Last evaluated: 2022-09-25. Review status: criteria provided, single submitter. Criteria: GeneDx Variant Classification Process June 2021. Collection method: clinical testing. Allele origin: germline. Affected: yes.
Comment: Not observed at significant frequency in large population cohorts (gnomAD); In silico analysis supports that this missense variant does not alter protein structure/function; Has not been previously published as pathogenic or benign to our knowledge

NM_130839.5(UBE3A):c.1040A>C (p.Lys347Thr)

Genes: SNHG14 (small nucleolar RNA host gene 14; plus strand), UBE3A (ubiquitin protein ligase E3A; minus strand). Cytogenetic location: 15q11.2.
Variant type: single nucleotide variant.
Coding change: c.1040A>C on transcript NM_130839.5 (MANE Select); coding-DNA position 1040, A replaced by C.
Protein change: p.Lys347Thr; replaces lysine 347 with threonine.
Molecular consequence: missense variant. On other transcripts: non-coding transcript variant (1), intron variant (2).
Genome position (GRCh38, 1-based): chr15:25,371,134, T>G on the plus strand (A>C on the coding strand, the complement: UBE3A is on the minus strand). VCF-style: chr15-25371134-T-G. GRCh37 (hg19) VCF-style: chr15-25616281-T-G.
Other names: c.1040A>C, p.Lys347Thr (NM_001354538.2, NM_001354545.2, NM_001354505.1); c.980A>C, p.Lys327Thr (NM_001354539.2, NM_001354540.2, NM_001354541.2 and 17 more transcripts); c.863A>C, p.Lys288Thr (NM_001354546.2); c.1049A>C, p.Lys350Thr (NM_000462.5); c.301+4331A>C (NM_001354551.2); c.361+4331A>C (NM_001354550.2); short protein forms K288T, K327T, K347T, K350T.
Identifiers: ClinVar variation 2446301 (VCV002446301.1), dbSNP rs2552191648, ClinGen allele CA391354498.
Genomic context (GRCh38, chr15:25,371,134, plus strand): 5'-GCAACAATGGCATCATCATCATTCACTAGATTTCGACTGTTAAATTCATTGCTTATGACT[T>G]TATAAGTAATAAGTTGCTGAAATGTCTCCATCATTCTCCGAATCTGGTCTGCATTGTATT-3'
Protein context (NP_570854.1, residues 337-357): METFQQLITY[Lys347Thr]VISNEFNSRN